The following is an entry in ClinVar:

ClinVar aggregate classification (germline): Benign. Review status: criteria provided, multiple submitters, no conflicts (2 of 4 stars). 2 submissions from 2 submitters: Benign (2). Last evaluated 2018-06-15.

Allele frequency attached by ClinVar (database versions not stated): 1000 Genomes Project 30x 0.28935; 1000 Genomes Project 0.29313; TOPMed 0.35791; ESP Exome Variant Server 0.36035; gnomAD 0.36239 and 0.36296; gnomAD exomes 0.45143.
gnomAD v4.1: 566,477 of 1,287,822 alleles (44%); highest among the groups gnomAD compares: Admixed American, 55%; 131,108 homozygotes.

Submissions (2):

GeneDx
Classification: Benign. Last evaluated: 2018-06-15. Review status: criteria provided, single submitter. Criteria: GeneDx Variant Classification (06012015). Collection method: clinical testing. Allele origin: germline. Affected: yes.
Comment: This variant is considered likely benign or benign based on one or more of the following criteria: it is a conservative change, it occurs at a poorly conserved position in the protein, it is predicted to be benign by multiple in silico algorithms, and/or has population frequency not consistent with disease.

Breakthrough Genomics
Classification: Benign. Review status: criteria provided, single submitter. Criteria: ACMG Guidelines, 2015. Collection method: not provided. Allele origin: germline. Inheritance: Autosomal dominant inheritance. Affected: yes.

NM_001035.3(RYR2):c.4683+59A>T

Gene: RYR2 (ryanodine receptor 2; plus strand). Cytogenetic location: 1q43.
Variant type: single nucleotide variant.
Coding change: c.4683+59A>T on transcript NM_001035.3 (MANE Select); 59 bases into the intron after coding-DNA position 4683, A replaced by T.
Molecular consequence: intron variant.
Genome position (GRCh38, 1-based): chr1:237,602,170, A>T. VCF-style: chr1-237602170-A-T. GRCh37 (hg19) VCF-style: chr1-237765470-A-T.
Identifiers: ClinVar variation 671203 (VCV000671203.2), dbSNP rs791541, ClinGen allele CA39816033.